The following is an entry in ClinVar:

NM_000138.5(FBN1):c.328del (p.Ser110fs)

Gene: FBN1 (fibrillin 1; minus strand). Cytogenetic location: 15q21.1.
Variant type: Deletion.
Coding change: c.328del on transcript NM_000138.5 (MANE Select); coding-DNA position 328, one base deleted (T; older notation c.328delT).
Protein change: p.Ser110fs; shifts the reading frame from serine 110.
Molecular consequence: frameshift variant.
Genome position (GRCh38, 1-based): chr15:48,610,746, A deleted on the plus strand (T on the coding strand, the reverse complement: FBN1 is on the minus strand); the first of 2 consecutive A bases (chr15:48,610,746-48,610,747); deleting either gives the same sequence. VCF-style (leftmost placement, unchanged base first): chr15-48610745-GA-G. GRCh37 (hg19) VCF-style: chr15-48902942-GA-G.
Other names: c.328del, p.Ser110fs (NM_001406716.1, NM_001406717.1); short protein forms S110fs.
Identifiers: ClinVar variation 4785290 (VCV004785290.1).

ClinVar aggregate classification (germline): Pathogenic (1 of 4 stars; one submission).

Conditions:
Marfan syndrome (MFS). Also called: FBN1-Related Marfan Syndrome; MARFAN SYNDROME, TYPE I; Marfan syndrome type 1; Marfan's syndrome; Marfan syndrome, classic. Identifiers: Orphanet 284963, Orphanet 558, MedGen C0024796, MONDO:0007947, OMIM 154700.
Familial thoracic aortic aneurysm and aortic dissection (TAAD). Also called: Thoracic aortic aneurysms and dissections. Identifiers: Orphanet 91387, MedGen C4707243, MONDO:0019625.

Submission:

Labcorp Genetics (formerly Invitae), Labcorp
Classification: Pathogenic for Marfan syndrome; Familial thoracic aortic aneurysm and aortic dissection. Last evaluated: 2025-06-12. Review status: criteria provided, single submitter. Criteria: Invitae Variant Classification Sherloc (09022015). Collection method: clinical testing. Allele origin: germline.
Comment: This sequence change creates a premature translational stop signal (p.Ser110Profs*15) in the FBN1 gene. It is expected to result in an absent or disrupted protein product. Loss-of-function variants in FBN1 are known to be pathogenic (PMID: 17657824, 19293843). This variant is not present in population databases (gnomAD no frequency). This variant has not been reported in the literature in individuals affected with FBN1-related conditions. For these reasons, this variant has been classified as Pathogenic.

Literature cited by the submitters: PubMed 17657824; PubMed 19293843.